The following is an entry in ClinVar:

NM_139027.6(ADAMTS13):c.2104+1G>C

Gene: ADAMTS13 (ADAM metallopeptidase with thrombospondin type 1 motif 13; plus strand). Cytogenetic location: 9q34.2.
Variant type: single nucleotide variant.
Coding change: c.2104+1G>C on transcript NM_139027.6 (MANE Select); the canonical splice donor site of the intron after coding-DNA position 2104, G replaced by C.
Molecular consequence: splice donor variant.
Genome position (GRCh38, 1-based): chr9:133,442,535, G>C. VCF-style: chr9-133442535-G-C. GRCh37 (hg19) VCF-style: chr9-136307656-G-C.
Other names: c.2104+1G>C (NM_139025.5); c.2011+1G>C (NM_139026.6).
Identifiers: ClinVar variation 3649789 (VCV003649789.2).

ClinVar aggregate classification (germline): Likely pathogenic (1 of 4 stars; one submission).

Submission:

Labcorp Genetics (formerly Invitae), Labcorp
Classification: Likely pathogenic. Last evaluated: 2024-04-13. Review status: criteria provided, single submitter. Criteria: Invitae Variant Classification Sherloc (09022015). Collection method: clinical testing. Allele origin: germline.
Comment: This sequence change affects a donor splice site in intron 17 of the ADAMTS13 gene. It is expected to disrupt RNA splicing. Variants that disrupt the donor or acceptor splice site typically lead to a loss of protein function (PMID: 16199547), and loss-of-function variants in ADAMTS13 are known to be pathogenic (PMID: 11586351, 12753286, 21781265). This variant is not present in population databases (gnomAD no frequency). Disruption of this splice site has been observed in individual(s) with ADAMTS13-related conditions (PMID: 30312976). Algorithms developed to predict the effect of sequence changes on RNA splicing suggest that this variant may disrupt the consensus splice site. In summary, the currently available evidence indicates that the variant is pathogenic, but additional data are needed to prove that conclusively. Therefore, this variant has been classified as Likely Pathogenic.

Literature cited by the submitters: PubMed 16199547; PubMed 11586351; PubMed 12753286; PubMed 21781265; PubMed 30312976.